The following is an entry in ClinVar:

ClinVar aggregate classification (germline): Pathogenic/Likely pathogenic. Review status: criteria provided, multiple submitters, no conflicts (2 of 4 stars). 2 submissions from 2 submitters: Pathogenic (1); Likely pathogenic (1). Last evaluated 2026-04-21.

Conditions:
Atrophia bulborum hereditaria (ND). Also called: EPISKOPI BLINDNESS; Norrie Disease (Classic Norrie Disease Ocular Phenotype with or without Extraocular Findings; Pseudoglioma; Norrie syndrome; Norrie-Warburg syndrome; Anderson-Warburg syndrome. Identifiers: Orphanet 649, MedGen C0266526, MONDO:0010691, OMIM 310600, HP:6000262.

Submissions (2):

Department of Laboratory Medicine, The Affiliated Hospital of Southwest Medical University, Southwest Medical University
Classification: Pathogenic for Atrophia bulborum hereditaria. Last evaluated: 2026-04-21. Review status: criteria provided, single submitter. Criteria: ACMG Guidelines, 2015. Collection method: clinical testing. Allele origin: maternal. Inheritance: X-linked recessive inheritance. Affected: yes. Observed: 1 variant allele, 1 hemizygote.
Comment: This variant (NM_000266.4:c.159C>G, p.Tyr53Ter) is classified as Pathogenic according to ACMG/AMP 2015 guidelines, based on the following evidence: 1. PVS1 (Very strong evidence): This is a nonsense variant in the NDP gene (exon 2), leading to a premature stop codon (p.Tyr53Ter) and predicted loss-of-function of the protein. 2. 3. PM2 (Supporting evidence): The variant is absent from population databases (e.g., gnomAD v2.1.1, 1000 Genomes), consistent with pathogenic variants for these rare X-linked disorders. The variant results in loss-of-function of the NDP gene product, which is critical for retinal vascular development. This evidence supports the classification as Pathogenic.

3billion
Classification: Likely pathogenic for Atrophia bulborum hereditaria. Last evaluated: 2025-10-22. Review status: criteria provided, single submitter. Criteria: ACMG Guidelines, 2015. Collection method: clinical testing. Allele origin: germline. Affected: yes.
Comment: The variant is not observed in the gnomAD v4.1.0 dataset. Predicted Consequence/Location: Stop-gained (nonsense): predicted to result in a loss or disruption of normal protein function through protein truncation. Multiple pathogenic variants are reported in the predicted truncated region. Therefore, this variant is classified as Likely pathogenic according to the recommendation of ACMG/AMP guideline.

NM_000266.4(NDP):c.159C>G (p.Tyr53Ter)

Genes: NDP (norrin cystine knot growth factor NDP; minus strand), NDP-AS1 (NDP antisense RNA 1; plus strand). Cytogenetic location: Xp11.3.
Variant type: single nucleotide variant.
Coding change: c.159C>G on transcript NM_000266.4 (MANE Select); coding-DNA position 159, C replaced by G.
Protein change: p.Tyr53Ter; replaces tyrosine 53 with a stop codon.
Molecular consequence: nonsense.
Genome position (GRCh38, 1-based): chrX:43,958,487, G>C on the plus strand (C>G on the coding strand, the complement: NDP is on the minus strand). VCF-style: chrX-43958487-G-C. GRCh37 (hg19) VCF-style: chrX-43817733-G-C.
Other names: chrX:43817733C>G; short protein forms Y53*.
Identifiers: ClinVar variation 4850071 (VCV004850071.2).